The following is an entry in ClinVar:

NM_004564.3(GATB):c.688G>A (p.Glu230Lys)

Gene: GATB (glutamyl-tRNA amidotransferase subunit B; minus strand). Cytogenetic location: 4q31.3.
Variant type: single nucleotide variant.
Coding change: c.688G>A on transcript NM_004564.3 (MANE Select); coding-DNA position 688, G replaced by A.
Protein change: p.Glu230Lys; replaces glutamic acid 230 with lysine.
Molecular consequence: missense variant.
Genome position (GRCh38, 1-based): chr4:151,716,084, C>T on the plus strand (G>A on the coding strand, the complement: GATB is on the minus strand). VCF-style: chr4-151716084-C-T. GRCh37 (hg19) VCF-style: chr4-152637236-C-T.
Other names: c.688G>A, p.Glu230Lys (NM_001363341.2); short protein forms E230K.
Identifiers: ClinVar variation 2282053 (VCV002282053.4), dbSNP rs769705880, ClinGen allele CA3105857.
Genomic context (GRCh38, chr4:151,716,084, plus strand): 5'-GGCTGGTCCCCAGGGCTTGAAGGATCAGCTGCAGCTCCCTGACAGCTGTTGCCGCCTCTT[C>T]TCCACAGGACATGTCGGGCTCCAGGACCACCTCCAGAAGGCCCACTCCTACCAAAGAGGG-3'
Protein context (NP_004555.1, residues 220-240): VVLEPDMSCG[Glu230Lys]EAATAVRELQ

ClinVar aggregate classification (germline): Uncertain significance. Review status: criteria provided, multiple submitters, no conflicts (2 of 4 stars). 2 submissions from 2 submitters: Uncertain significance (2). Last evaluated 2025-06-18.

Conditions:
GATB-related disorder. Also called: GATB-related condition.

Allele frequency attached by ClinVar (database versions not stated): ExAC 0.00015; gnomAD exomes 0.00017; gnomAD 0.00019; TOPMed 0.00022.
gnomAD v4.1: 288 of 1,613,970 alleles (0.018%); highest among the groups gnomAD compares: Middle Eastern, 0.21%; 1 homozygote.

Submissions (2):

PreventionGenetics, part of Exact Sciences
Classification: Uncertain significance for GATB-related condition. Last evaluated: 2025-06-18. Review status: criteria provided, single submitter. Criteria: ACMG Guidelines, 2015. Collection method: clinical testing. Allele origin: germline.
Comment: The GATB c.688G>A variant is predicted to result in the amino acid substitution p.Glu230Lys. To our knowledge, this variant has not been reported in the literature. This variant is reported in 0.048% of alleles in individuals of European (Finnish) descent in gnomAD. At this time, the clinical significance of this variant is uncertain due to the absence of conclusive functional and genetic evidence.

Ambry Genetics
Classification: Uncertain significance. Last evaluated: 2024-08-27. Review status: criteria provided, single submitter. Criteria: Ambry Variant Classification Scheme 2023. Collection method: clinical testing. Allele origin: germline.